The following is an entry in ClinVar:

NM_004304.5(ALK):c.-156G>T

Gene: ALK (ALK receptor tyrosine kinase; minus strand). Cytogenetic location: 2p23.1.
Variant type: single nucleotide variant.
Coding change: c.-156G>T on transcript NM_004304.5 (MANE Select); 156 bases upstream of the start codon, G replaced by T.
Molecular consequence: 5 prime UTR variant.
Genome position (GRCh38, 1-based): chr2:29,920,815, C>A on the plus strand (G>T on the coding strand, the complement: ALK is on the minus strand). VCF-style: chr2-29920815-C-A. GRCh37 (hg19) VCF-style: chr2-30143681-C-A.
Identifiers: ClinVar variation 335720 (VCV000335720.7), dbSNP rs141444957, ClinGen allele CA10615236.
Genomic context (GRCh38, chr2:29,920,815, plus strand): 5'-CAGCGGCTCCTTCCACCTGATCTCCAGAGGACTGTGCGTGCGCGCAAGTCTCTTGCTTTC[C>A]CCCAACTGCACGGAGGCGAGCAGGAGTCTAAATGAAACAGACCTGGAAGCTCAGGGGCGA-3'

ClinVar aggregate classification (germline): Likely benign. Review status: criteria provided, multiple submitters, no conflicts (2 of 4 stars). 2 submissions from 2 submitters: Likely benign (2). Last evaluated 2018-07-20.

Conditions:
Neuroblastoma, susceptibility to, 3. Also called: ALK-Related Neuroblastic Tumor Susceptibility. Identifiers: Orphanet 635, MedGen C2751681, MONDO:0013083, OMIM 613014.

Allele frequency attached by ClinVar (database versions not stated): gnomAD exomes 0.00130; 1000 Genomes Project 0.00759; 1000 Genomes Project 30x 0.00828; TOPMed 0.01292.
gnomAD v4.1: 2,460 of 679,434 alleles (0.36%); highest among the groups gnomAD compares: African/African-American, 4%; 56 homozygotes.

Submissions (2):

GeneDx
Classification: Likely benign. Last evaluated: 2018-07-20. Review status: criteria provided, single submitter. Criteria: GeneDx Variant Classification Process June 2021. Collection method: clinical testing. Allele origin: germline. Affected: yes.

Illumina Laboratory Services, Illumina
Classification: Likely benign for Neuroblastoma, susceptibility to, 3. Last evaluated: 2017-04-27. Review status: criteria provided, single submitter. Criteria: ICSL Variant Classification Criteria 13 December 2019. Collection method: clinical testing. Allele origin: germline.
Comment: This variant was observed as part of a predisposition screen in an ostensibly healthy population. A literature search was performed for the gene, cDNA change, and amino acid change (where applicable). No publications were found based on this search. Allele frequency data from public databases allowed determination this variant is unlikely to cause disease. Therefore, this variant is classified as likely benign.